The following is an entry in ClinVar:

NM_001012614.2(CTBP1):c.974G>A (p.Arg325His)

Genes: CTBP1 (C-terminal binding protein 1; minus strand), CTBP1-AS (CTBP1 antisense RNA; plus strand). Cytogenetic location: 4p16.3.
Variant type: single nucleotide variant.
Coding change: c.974G>A on transcript NM_001012614.2 (MANE Select); coding-DNA position 974, G replaced by A.
Protein change: p.Arg325His; replaces arginine 325 with histidine.
Molecular consequence: missense variant.
Genome position (GRCh38, 1-based): chr4:1,213,492, C>T on the plus strand (G>A on the coding strand, the complement: CTBP1 is on the minus strand). VCF-style: chr4-1213492-C-T. GRCh37 (hg19) VCF-style: chr4-1207280-C-T.
Other names: c.1007G>A, p.Arg336His (NM_001328.3, NM_001377186.1); c.974G>A, p.Arg325His (NM_001377187.1, NM_001377188.1, NM_001377189.1 and 4 more transcripts); short protein forms R325H, R336H.
Identifiers: ClinVar variation 3898660 (VCV003898660.7).

ClinVar aggregate classification (germline): Uncertain significance (1 of 4 stars; one submission).

Submission:

CeGaT Center for Human Genetics Tuebingen
Classification: Uncertain significance. Last evaluated: 2025-04-01. Review status: criteria provided, single submitter. Criteria: CeGaT Center For Human Genetics Tuebingen Variant Classification Criteria Version 2. Collection method: clinical testing. Allele origin: germline. Affected: yes. Observed: 1 variant allele.
Comment: CTBP1: PM2